The following is an entry in ClinVar:

ClinVar aggregate classification (germline): Pathogenic (1 of 4 stars; one submission).

Submission:

Labcorp Genetics (formerly Invitae), Labcorp
Classification: Pathogenic. Last evaluated: 2025-01-06. Review status: criteria provided, single submitter. Criteria: Invitae Variant Classification Sherloc (09022015). Collection method: clinical testing. Allele origin: germline.
Comment: This sequence change creates a premature translational stop signal (p.Ser804Glufs*58) in the TONSL gene. It is expected to result in an absent or disrupted protein product. Loss-of-function variants in TONSL are known to be pathogenic (PMID: 30773277). This variant is not present in population databases (gnomAD no frequency). This variant has not been reported in the literature in individuals affected with TONSL-related conditions. For these reasons, this variant has been classified as Pathogenic.

Literature cited by the submitters: PubMed 30773277.

NM_013432.5(TONSL):c.2408dup (p.Ser804fs)

Genes: TONSL (tonsoku like, DNA repair protein; minus strand), TONSL-AS1 (TONSL antisense RNA 1; plus strand). Cytogenetic location: 8q24.3.
Variant type: Duplication.
Coding change: c.2408dup on transcript NM_013432.5 (MANE Select); coding-DNA position 2408, one base duplicated (A; older notation c.2408dupA).
Protein change: p.Ser804fs; shifts the reading frame from serine 804.
Molecular consequence: frameshift variant.
Genome position (GRCh38, 1-based): chr8:144,436,025, T duplicated on the plus strand (A on the coding strand, the reverse complement: TONSL is on the minus strand). VCF-style (leftmost placement, unchanged base first): chr8-144436024-C-CT. GRCh37 (hg19) VCF-style: chr8-145661407-C-CT.
Other names: short protein forms S804fs.
Identifiers: ClinVar variation 3727698 (VCV003727698.2).
Genomic context (GRCh38, chr8:144,436,024, plus strand): 5'-CGCTGCCTGGGGGGCAAGGGCTTTGCTGTGGCCCCGCGGTGGGCCAGGCCCCAGCCGGCT[C>CT]TGAGCACTGCCCACACCCCGGATGGCTGCCTGGTAGGCTGCCCGGCTGGTGCTGGCTGTG-3'